The following is an entry in ClinVar:

ClinVar aggregate classification (germline): Uncertain significance (1 of 4 stars; one submission).

Conditions:
Cardiovascular phenotype. Identifiers: MedGen CN230736.

Allele frequency attached by ClinVar (database versions not stated): TOPMed below 0.00001; ExAC 0.00001; gnomAD exomes 0.00003.
gnomAD v4.1: 45 of 1,613,860 alleles (0.0028%); highest among the groups gnomAD compares: Non-Finnish European, 0.0038%; no homozygotes.

Submission:

Ambry Genetics
Classification: Uncertain significance for Cardiovascular phenotype. Last evaluated: 2019-06-07. Review status: criteria provided, single submitter. Criteria: Ambry Variant Classification Scheme 2023. Collection method: clinical testing. Allele origin: germline.
Comment: The p.G20596D variant (also known as c.61787G>A), located in coding exon 160 of the TTN gene, results from a G to A substitution at nucleotide position 61787. The glycine at codon 20596 is replaced by aspartic acid, an amino acid with similar properties. This amino acid position is highly conserved in available vertebrate species. In addition, the in silico prediction for this alteration is inconclusive. Since supporting evidence is limited at this time, the clinical significance of this alteration remains unclear.

NM_001267550.2(TTN):c.88982G>A (p.Gly29661Asp)

Genes: TTN (titin; minus strand), TTN-AS1 (TTN antisense RNA 1; plus strand). Cytogenetic location: 2q31.2.
Variant type: single nucleotide variant.
Coding change: c.88982G>A on transcript NM_001267550.2 (MANE Select); coding-DNA position 88982, G replaced by A.
Protein change: p.Gly29661Asp; replaces glycine 29661 with aspartic acid.
Molecular consequence: missense variant.
Genome position (GRCh38, 1-based): chr2:178,554,129, C>T on the plus strand (G>A on the coding strand, the complement: TTN is on the minus strand). VCF-style: chr2-178554129-C-T. GRCh37 (hg19) VCF-style: chr2-179418856-C-T.
Other names: c.84059G>A, p.Gly28020Asp (NM_001256850.1); c.61787G>A, p.Gly20596Asp (NM_003319.4); c.81278G>A, p.Gly27093Asp (NM_133378.4); c.62162G>A, p.Gly20721Asp (NM_133432.3); c.62363G>A, p.Gly20788Asp (NM_133437.4); short protein forms G20788D, G27093D, G20721D, G28020D, G20596D, G29661D.
Identifiers: ClinVar variation 1752030 (VCV001752030.2), dbSNP rs764756194, ClinGen allele CA1988005.